The following is an entry in ClinVar:

ClinVar aggregate classification (germline): Uncertain significance. Review status: criteria provided, multiple submitters, no conflicts (2 of 4 stars). 2 submissions from 2 submitters: Uncertain significance (2). Last evaluated 2024-04-16.

Conditions:
Cerebral cavernous malformation 2. Also called: Familial Cerebral Cavernous Malformation 2. Identifiers: Orphanet 221061, MedGen C1864041, MONDO:0011304, OMIM 603284.

Allele frequency attached by ClinVar (database versions not stated): gnomAD 0.00001; gnomAD exomes 0.00001; ExAC 0.00002; TOPMed 0.00002.
gnomAD v4.1: 11 of 1,612,892 alleles (0.00068%); highest among the groups gnomAD compares: Admixed American, 0.0017%; no homozygotes.

Submissions (2):

Labcorp Genetics (formerly Invitae), Labcorp
Classification: Uncertain significance for Cerebral cavernous malformation 2. Last evaluated: 2024-04-16. Review status: criteria provided, single submitter. Criteria: Invitae Variant Classification Sherloc (09022015). Collection method: clinical testing. Allele origin: germline.
Comment: This sequence change replaces aspartic acid, which is acidic and polar, with asparagine, which is neutral and polar, at codon 256 of the CCM2 protein (p.Asp256Asn). This variant is present in population databases (rs779476016, gnomAD 0.003%). This variant has not been reported in the literature in individuals affected with CCM2-related conditions. Advanced modeling of protein sequence and biophysical properties (such as structural, functional, and spatial information, amino acid conservation, physicochemical variation, residue mobility, and thermodynamic stability) performed at Invitae indicates that this missense variant is not expected to disrupt CCM2 protein function with a negative predictive value of 80%. In summary, the available evidence is currently insufficient to determine the role of this variant in disease. Therefore, it has been classified as a Variant of Uncertain Significance.

Clinical Genomics Laboratory, Washington University in St. Louis
Classification: Uncertain significance for Cerebral cavernous malformation 2. Last evaluated: 2024-04-01. Review status: criteria provided, single submitter. Criteria: ACMG Guidelines, 2015. Collection method: clinical testing. Allele origin: germline.
Comment: A CCM2 c.766G>A (p.Asp256Asn) variant was identified at a near heterozygous allelic fraction of 46%, a frequency which may be consistent with germline origin. This variant, to our knowledge, has not been reported in the medical literature but has been reported in the ClinVar database as a germline variant of uncertain significance by one submitter (ClinVar ID: 2790874). It is observed on 11/780,028 alleles in the general population (gnomAD v.4.0.0). Computational predictors suggest that the variant does not impact CCM2 function. Due to limited information, and based on ACMG/AMP guidelines for variant interpretation (Richards S et al., PMID: 25741868), the clinical significance of this variant is uncertain at this time.

NM_031443.4(CCM2):c.766G>A (p.Asp256Asn)

Gene: CCM2 (CCM2 scaffold protein; plus strand). Cytogenetic location: 7p13.
Variant type: single nucleotide variant.
Coding change: c.766G>A on transcript NM_031443.4 (MANE Select); coding-DNA position 766, G replaced by A.
Protein change: p.Asp256Asn; replaces aspartic acid 256 with asparagine.
Molecular consequence: missense variant. On other transcripts: non-coding transcript variant (1).
Genome position (GRCh38, 1-based): chr7:45,072,746, G>A. VCF-style: chr7-45072746-G-A. GRCh37 (hg19) VCF-style: chr7-45112345-G-A.
Other names: c.829G>A, p.Asp277Asn (NM_001029835.2); c.592G>A, p.Asp198Asn (NM_001167934.2); c.493G>A, p.Asp165Asn (NM_001167935.2); c.889G>A, p.Asp297Asn (NM_001363458.2); c.715G>A, p.Asp239Asn (NM_001363459.2); short protein forms D198N, D165N, D239N, D256N, D297N, D277N.
Identifiers: ClinVar variation 2790874 (VCV002790874.4), dbSNP rs779476016, ClinGen allele CA4247118.
Genomic context (GRCh38, chr7:45,072,746, plus strand): 5'-TCCCTGAAAGTCATCTTAGTTTTCTGCATCTTCCTTACAGATGACTCTTCTACAAAAGTG[G>A]ACATTAAGGAGACCTACGAGGTGGAAGCCAGCACTTTGTGAGTGCACATGCCACCAAGCC-3'
Protein context (NP_113631.1, residues 246-266): LHSDDSSTKV[Asp256Asn]IKETYEVEAS